The following is an entry in ClinVar:

ClinVar aggregate classification (germline): Uncertain significance. Review status: criteria provided, multiple submitters, no conflicts (2 of 4 stars). 2 submissions from 2 submitters: Uncertain significance (2). Last evaluated 2025-10-11.

Conditions:
Pulmonary fibrosis and/or bone marrow failure, Telomere-related, 3. Also called: PULMONARY FIBROSIS AND/OR BONE MARROW FAILURE SYNDROME, TELOMERE-RELATED, 3. Identifiers: Orphanet 2032, MedGen C4225346, MONDO:0014613, OMIM 616373.
Dyskeratosis congenita, autosomal recessive 5 (DKCB5). Identifiers: MedGen C3554656, MONDO:0014076, OMIM 615190.
Inborn genetic diseases. Identifiers: MedGen C0950123, MeSH D030342.

Allele frequency attached by ClinVar (database versions not stated): gnomAD exomes below 0.00001.
gnomAD v4.1: 1 of 1,612,172 alleles (0.000062%); highest among the groups gnomAD compares: South Asian, 0.0011%; no homozygotes.

Submissions (2):

Ambry Genetics
Classification: Uncertain significance for Inborn genetic diseases. Last evaluated: 2025-10-11. Review status: criteria provided, single submitter. Criteria: Ambry Variant Classification Scheme 2023. Collection method: clinical testing. Allele origin: germline.
Comment: The p.G973E variant (also known as c.2918G>A), located in coding exon 29 of the RTEL1 gene, results from a G to A substitution at nucleotide position 2918. The glycine at codon 973 is replaced by glutamic acid, an amino acid with similar properties. This amino acid position is conserved. In addition, this alteration is predicted to be tolerated by in silico analysis. Based on the available evidence, the clinical significance of this variant remains unclear.

Labcorp Genetics (formerly Invitae), Labcorp
Classification: Uncertain significance for Dyskeratosis congenita, autosomal recessive 5; Pulmonary fibrosis and/or bone marrow failure, Telomere-related, 3. Last evaluated: 2024-08-05. Review status: criteria provided, single submitter. Criteria: Invitae Variant Classification Sherloc (09022015). Collection method: clinical testing. Allele origin: germline.
Comment: This sequence change replaces glycine, which is neutral and non-polar, with glutamic acid, which is acidic and polar, at codon 973 of the RTEL1 protein (p.Gly973Glu). This variant is not present in population databases (gnomAD no frequency). This variant has not been reported in the literature in individuals affected with RTEL1-related conditions. ClinVar contains an entry for this variant (Variation ID: 1434601). An algorithm developed to predict the effect of missense changes on protein structure and function (PolyPhen-2) suggests that this variant is likely to be disruptive. In summary, the available evidence is currently insufficient to determine the role of this variant in disease. Therefore, it has been classified as a Variant of Uncertain Significance.

NM_001283009.2(RTEL1):c.2918G>A (p.Gly973Glu)

Genes: RTEL1-TNFRSF6B (RTEL1-TNFRSF6B readthrough (NMD candidate); plus strand), RTEL1 (regulator of telomere elongation helicase 1; plus strand). Cytogenetic location: 20q13.33.
Variant type: single nucleotide variant.
Coding change: c.2918G>A on transcript NM_001283009.2 (MANE Select); coding-DNA position 2918, G replaced by A.
Protein change: p.Gly973Glu; replaces glycine 973 with glutamic acid.
Molecular consequence: missense variant. On other transcripts: non-coding transcript variant (1).
Genome position (GRCh38, 1-based): chr20:63,693,209, G>A. VCF-style: chr20-63693209-G-A. GRCh37 (hg19) VCF-style: chr20-62324562-G-A.
Other names: c.2249G>A, p.Gly750Glu (NM_001283010.1); c.2918G>A, p.Gly973Glu (NM_016434.4); c.2990G>A, p.Gly997Glu (NM_032957.5); short protein forms G973E, G997E, G750E.
Identifiers: ClinVar variation 1434601 (VCV001434601.8), dbSNP rs2145448980, ClinGen allele CA409683307.